The following is an entry in ClinVar:

ClinVar aggregate classification (germline): Likely benign (1 of 4 stars; one submission).

gnomAD v4.1: 10 of 1,604,256 alleles (0.00062%); highest among the groups gnomAD compares: Admixed American, 0.014%; no homozygotes.

Submission:

CeGaT Center for Human Genetics Tuebingen
Classification: Likely benign. Last evaluated: 2026-04-01. Review status: criteria provided, single submitter. Criteria: CeGaT Center For Human Genetics Tuebingen Variant Classification Criteria Version 2. Collection method: clinical testing. Allele origin: germline. Affected: yes. Observed: 1 variant allele.
Comment: HNRNPR: BP4, BP7

NM_005826.5(HNRNPR):c.1095A>G (p.Gly365=)

Gene: HNRNPR (heterogeneous nuclear ribonucleoprotein R; minus strand). Cytogenetic location: 1p36.12.
Variant type: single nucleotide variant.
Coding change: c.1095A>G on transcript NM_005826.5 (MANE Select); coding-DNA position 1095, A replaced by G.
Protein change: p.Gly365=; no amino-acid change (glycine 365 retained).
Molecular consequence: synonymous variant.
Genome position (GRCh38, 1-based): chr1:23,313,625, T>C on the plus strand (A>G on the coding strand, the complement: HNRNPR is on the minus strand). VCF-style: chr1-23313625-T-C. GRCh37 (hg19) VCF-style: chr1-23640118-T-C.
Other names: c.792A>G, p.Gly264= (NM_001102397.3); c.1104A>G, p.Gly368= (NM_001102398.3); c.801A>G, p.Gly267= (NM_001102399.3); c.981A>G, p.Gly327= (NM_001297620.2); c.615A>G, p.Gly205= (NM_001297621.2); c.678A>G, p.Gly226= (NM_001297622.2); c.918A>G, p.Gly306= (NM_001437727.1); c.1095A>G, p.Gly365= (NM_001438564.1).
Identifiers: ClinVar variation 4872715 (VCV004872715.2).
Genomic context (GRCh38, chr1:23,313,625, plus strand): 5'-TCCTCTGTCTTCAAAATGAACAAATGCATAATCTTTCAACTTCTTTACTCTTTCGAGTTT[T>C]CCAAATTCAGAAAATGACTTTTCCAATATTTCTTCTGTCACCGTAGTAGCCAAGTTTCTC-3'
Protein context (NP_005817.1, residues 355-375): EILEKSFSEF[Gly365=]KLERVKKLKD